The following is an entry in ClinVar:

NM_006767.4(LZTR1):c.166C>T (p.Arg56Cys)

Gene: LZTR1 (leucine zipper like post translational regulator 1; plus strand). Cytogenetic location: 22q11.21.
Variant type: single nucleotide variant.
Coding change: c.166C>T on transcript NM_006767.4 (MANE Select); coding-DNA position 166, C replaced by T.
Protein change: p.Arg56Cys; replaces arginine 56 with cysteine.
Molecular consequence: missense variant.
Genome position (GRCh38, 1-based): chr22:20,982,537, C>T. VCF-style: chr22-20982537-C-T. GRCh37 (hg19) VCF-style: chr22-21336826-C-T.
Other names: short protein forms R56C.
Identifiers: ClinVar variation 3541519 (VCV003541519.2).

ClinVar aggregate classification (germline): Uncertain significance. Review status: criteria provided, multiple submitters, no conflicts (2 of 4 stars). 2 submissions from 2 submitters: Uncertain significance (2). Last evaluated 2026-03-05.

Conditions:
Hereditary cancer-predisposing syndrome. Also called: Hereditary Cancer Syndrome; Neoplastic Syndromes, Hereditary; Hereditary neoplastic syndrome; Tumor predisposition. Identifiers: Orphanet 140162, MedGen C0027672, MeSH D009386, MONDO:0015356.
Cardiovascular phenotype. Identifiers: MedGen CN230736.

gnomAD v4.1: 1 of 1,612,852 alleles (0.000062%); highest among the groups gnomAD compares: Non-Finnish European, 0.000085%; no homozygotes.

Submissions (2):

GeneDx
Classification: Uncertain significance. Last evaluated: 2026-03-05. Review status: criteria provided, single submitter. Criteria: GeneDx Variant Classification Process June 2021. Collection method: clinical testing. Allele origin: germline.
Comment: Not observed at significant frequency in large population cohorts (gnomAD); In silico analysis supports that this missense variant has a deleterious effect on protein structure/function; Has not been previously published as pathogenic or benign to our knowledge

Ambry Genetics
Classification: Uncertain significance for Cardiovascular phenotype; Hereditary cancer-predisposing syndrome. Last evaluated: 2024-07-26. Review status: criteria provided, single submitter. Criteria: Ambry Variant Classification Scheme 2023. Collection method: clinical testing. Allele origin: germline.
Comment: The p.R56C variant (also known as c.166C>T), located in coding exon 1 of the LZTR1 gene, results from a C to T substitution at nucleotide position 166. The arginine at codon 56 is replaced by cysteine, an amino acid with highly dissimilar properties. This amino acid position is conserved. In addition, this alteration is predicted to be deleterious by in silico analysis. Based on the available evidence, the clinical significance of this variant remains unclear.